The following is an entry in ClinVar:

NM_003672.4(CDC14A):c.1546C>T (p.Leu516Phe)

Gene: CDC14A (cell division cycle 14A; plus strand). Cytogenetic location: 1p21.2.
Variant type: single nucleotide variant.
Coding change: c.1546C>T on transcript NM_003672.4 (MANE Select); coding-DNA position 1546, C replaced by T.
Protein change: p.Leu516Phe; replaces leucine 516 with phenylalanine.
Molecular consequence: missense variant.
Genome position (GRCh38, 1-based): chr1:100,499,053, C>T. VCF-style: chr1-100499053-C-T. GRCh37 (hg19) VCF-style: chr1-100964609-C-T.
Other names: c.1546C>T, p.Leu516Phe (NM_001319210.2, NM_033312.3); c.1372C>T, p.Leu458Phe (NM_001319211.2); c.667C>T, p.Leu223Phe (NM_001319212.2); short protein forms L223F, L458F, L516F.
Identifiers: ClinVar variation 2300226 (VCV002300226.3), dbSNP rs376296207, ClinGen allele CA970930.
Genomic context (GRCh38, chr1:100,499,053, plus strand): 5'-GAGAACAAAAAGACCTCCTCATCCTCTAAGGCAGGCTTCACAGCCAGCCCGTTTACCAAC[C>T]TCTTGAATGGCAGCTCCCAGCCAACTACCAGAAATTACCCTGAGCTCAACAATAATCAGT-3'
Protein context (NP_003663.2, residues 506-526): AGFTASPFTN[Leu516Phe]LNGSSQPTTR

ClinVar aggregate classification (germline): Uncertain significance. Review status: criteria provided, multiple submitters, no conflicts (2 of 4 stars). 2 submissions from 2 submitters: Uncertain significance (2). Last evaluated 2025-10-31.

Conditions:
CDC14A-related disorder. Also called: CDC14A-related condition.
Inborn genetic diseases. Identifiers: MedGen C0950123, MeSH D030342.

Allele frequency attached by ClinVar (database versions not stated): gnomAD exomes below 0.00001; TOPMed below 0.00001; ExAC 0.00001; gnomAD 0.00002; ESP Exome Variant Server 0.00008.
gnomAD v4.1: 4 of 1,614,064 alleles (0.00025%); highest among the groups gnomAD compares: African/African-American, 0.004%; no homozygotes.

Submissions (2):

PreventionGenetics, part of Exact Sciences
Classification: Uncertain significance for CDC14A-related condition. Last evaluated: 2025-10-31. Review status: criteria provided, single submitter. Criteria: ACMG Guidelines, 2015. Collection method: clinical testing. Allele origin: germline.
Comment: The CDC14A c.1546C>T variant is predicted to result in the amino acid substitution p.Leu516Phe. To our knowledge, this variant has not been reported in the literature. This variant is reported in 0.0062% of alleles in individuals of African descent in gnomAD. At this time, the clinical significance of this variant is uncertain due to the absence of conclusive functional and genetic evidence.

Ambry Genetics
Classification: Uncertain significance for Inborn genetic diseases. Last evaluated: 2022-08-31. Review status: criteria provided, single submitter. Criteria: Ambry Variant Classification Scheme 2023. Collection method: clinical testing. Allele origin: germline.
Comment: The c.1546C>T (p.L516F) alteration is located in exon 15 (coding exon 15) of the CDC14A gene. This alteration results from a C to T substitution at nucleotide position 1546, causing the leucine (L) at amino acid position 516 to be replaced by a phenylalanine (F). Based on data from gnomAD, the T allele has an overall frequency of <0.01% (1/251136) total alleles studied. The highest observed frequency was 0.01% (1/16246) of African alleles. This amino acid position is not well conserved in available vertebrate species. This alteration is predicted to be tolerated by in silico analysis. Based on insufficient or conflicting evidence, the clinical significance of this alteration remains unclear.